The following is an entry in ClinVar:

ClinVar aggregate classification (germline): Uncertain significance (1 of 4 stars; one submission).

Conditions:
Cardiomyopathy (CMYO). Also called: Cardiomyopathies. Identifiers: Orphanet 167848, MedGen C0878544, MONDO:0004994, HP:0001638. Inheritance: Various modes of inheritance.

Submission:

Color Diagnostics, LLC DBA Color Health
Classification: Uncertain significance for Cardiomyopathy. Last evaluated: 2025-08-25. Review status: criteria provided, single submitter. Criteria: ACMG Guidelines, 2015. Collection method: clinical testing. Allele origin: germline.
Comment: This missense variant replaces aspartic acid with glutamic acid at codon 1292 of the MYH7 protein. Computational prediction suggests that this variant may not impact protein structure and function. To our knowledge, functional studies have not been reported for this variant. This variant has not been reported in individuals affected with MYH7-related disorders in the literature. This variant has not been identified in the general population by the Genome Aggregation Database (gnomAD). The available evidence is insufficient to determine the role of this variant in disease conclusively. Therefore, this variant is classified as a Variant of Uncertain Significance.

NM_000257.4(MYH7):c.3876T>A (p.Asp1292Glu)

Gene: MYH7 (myosin heavy chain 7; minus strand). Cytogenetic location: 14q11.2.
Variant type: single nucleotide variant.
Coding change: c.3876T>A on transcript NM_000257.4 (MANE Select); coding-DNA position 3876, T replaced by A.
Protein change: p.Asp1292Glu; replaces aspartic acid 1292 with glutamic acid.
Molecular consequence: missense variant.
Genome position (GRCh38, 1-based): chr14:23,419,273, A>T on the plus strand (T>A on the coding strand, the complement: MYH7 is on the minus strand). VCF-style: chr14-23419273-A-T. GRCh37 (hg19) VCF-style: chr14-23888482-A-T.
Other names: c.3876T>A, p.Asp1292Glu (NM_001407004.1); short protein forms D1292E.
Identifiers: ClinVar variation 4758036 (VCV004758036.1).